The following is an entry in ClinVar:

NM_018474.6(KIZ):c.*1C>T

Gene: KIZ (kizuna centrosomal protein; plus strand). Cytogenetic location: 20p11.23.
Variant type: single nucleotide variant.
Coding change: c.*1C>T on transcript NM_018474.6 (MANE Select); 1 bases downstream of the stop codon, C replaced by T.
Molecular consequence: 3 prime UTR variant.
Genome position (GRCh38, 1-based): chr20:21,246,577, C>T. VCF-style: chr20-21246577-C-T. GRCh37 (hg19) VCF-style: chr20-21227215-C-T.
Other names: c.*1C>T (NM_001163022.3, NM_001163023.3, NM_001276389.2 and 3 more transcripts).
Identifiers: ClinVar variation 4982358 (VCV004982358.1).

ClinVar aggregate classification (germline): Likely benign (1 of 4 stars; one submission).

Conditions:
KIZ-related disorder. Also called: KIZ-related condition.

gnomAD v4.1: 487 of 1,562,134 alleles (0.031%); highest among the groups gnomAD compares: Non-Finnish European, 0.04%; no homozygotes.

Submission:

PreventionGenetics, part of Exact Sciences
Classification: Likely benign for KIZ-related condition. Last evaluated: 2025-09-07. Review status: criteria provided, single submitter. Criteria: ACMG Guidelines, 2015. Collection method: clinical testing. Allele origin: germline.
Comment: This variant is classified as likely benign based on ACMG/AMP sequence variant interpretation guidelines (Richards et al. 2015 PMID: 25741868, with internal and published modifications).